The following is an entry in ClinVar:

ClinVar aggregate classification (germline): Conflicting classifications of pathogenicity. Review status: criteria provided, conflicting classifications (1 of 4 stars). 5 submissions from 5 submitters: Uncertain significance (3); Benign (1). 1 of the submissions does not count toward it. Last evaluated 2025-06-24.

Conditions:
Familial thoracic aortic aneurysm and aortic dissection (TAAD). Also called: Thoracic aortic aneurysms and dissections. Identifiers: Orphanet 91387, MedGen C4707243, MONDO:0019625.
FG syndrome (FGS). Identifiers: MedGen C0220769, MONDO:0002010.
FG syndrome 1 (OKS). Also called: KELLER SYNDROME; MENTAL RETARDATION, LARGE HEAD, IMPERFORATE ANUS, CONGENITAL HYPOTONIA, AND PARTIAL AGENESIS OF CORPUS CALLOSUM; OPITZ-KAVEGGIA SYNDROME; FG Syndrome Type 1 (FGS1). Identifiers: Orphanet 93932, MedGen C5399762, MONDO:0010590, OMIM 305450.

Allele frequency attached by ClinVar (database versions not stated): ExAC 0.00001; gnomAD 0.00001; gnomAD exomes 0.00001 and 0.00002; TOPMed 0.00002.
gnomAD v4.1: 22 of 1,208,096 alleles (0.0018%); highest among the groups gnomAD compares: Admixed American, 0.0044%; no homozygotes.

Submissions (5):

GeneDx
Classification: Uncertain significance. Last evaluated: 2025-06-24. Review status: criteria provided, single submitter. Criteria: GeneDx Variant Classification Process June 2021. Collection method: clinical testing. Allele origin: germline. Affected: yes.
Comment: Functional studies showed reduced immunoglobulin (Ig) class switch recombination (CSR) activity compared to wild type (PMID: 36427307); In silico analysis supports that this missense variant has a deleterious effect on protein structure/function; This variant is associated with the following publications: (PMID: 32174975, 28544239, 31536828, 29094201, 27312080, 36427307, 31322785)

Labcorp Genetics (formerly Invitae), Labcorp
Classification: Benign for FG syndrome. Last evaluated: 2025-01-20. Review status: criteria provided, single submitter. Criteria: Invitae Variant Classification Sherloc (09022015). Collection method: clinical testing. Allele origin: germline.

Blueprint Genetics
Classification: Uncertain significance. Last evaluated: 2022-04-20. Review status: criteria provided, single submitter. Criteria: ACMG Guidelines, 2015. Collection method: clinical testing. Allele origin: germline.

Ambry Genetics
Classification: Uncertain significance for Familial thoracic aortic aneurysm and aortic dissection. Last evaluated: 2022-03-21. Review status: criteria provided, single submitter. Criteria: Ambry Variant Classification Scheme 2023. Collection method: clinical testing. Allele origin: germline.
Comment: The p.I771T variant (also known as c.2312T>C), located in coding exon 16 of the MED12 gene, results from a T to C substitution at nucleotide position 2312. The isoleucine at codon 771 is replaced by threonine, an amino acid with similar properties. This alteration has been reported in a family with intellectual disability and dysmorphic facial features (Prontera P et al. Am J Med Genet A, 2016 09;170:2377-82). Based on data from gnomAD, the C allele has an overall frequency of <0.01% (2/181634) total alleles studied, with 0 hemizygote(s) observed. The highest observed frequency was <0.01% (1/27352) of Latino alleles. This amino acid position is highly conserved in available vertebrate species. In addition, this alteration is predicted to be deleterious by in silico analysis. Since supporting evidence is limited at this time, the clinical significance of this alteration remains unclear.

GeneReviews
No classification provided. Condition: FG syndrome. Review status: no classification provided. Collection method: literature only. Allele origin: germline. Not counted in ClinVar's aggregate classification.
Comment: Reported in male sibs and their niece with nonspecific intellectual disability

Literature cited by the submitters: PubMed 27312080 (cited by Ambry Genetics and GeneReviews); PubMed 20301719 (cited by GeneReviews).

NM_005120.3(MED12):c.2312T>C (p.Ile771Thr)

Gene: MED12 (mediator complex subunit 12; plus strand). Cytogenetic location: Xq13.1.
Variant type: single nucleotide variant.
Coding change: c.2312T>C on transcript NM_005120.3 (MANE Select); coding-DNA position 2312, T replaced by C.
Protein change: p.Ile771Thr; replaces isoleucine 771 with threonine.
Molecular consequence: missense variant.
Genome position (GRCh38, 1-based): chrX:71,125,436, T>C. VCF-style: chrX-71125436-T-C. GRCh37 (hg19) VCF-style: chrX-70345286-T-C.
Other names: c.2312T>C (NM_005120.2); short protein forms I771T.
Identifiers: ClinVar variation 1210234 (VCV001210234.18), dbSNP rs778325168, ClinGen allele CA10444331.